The following is an entry in ClinVar:

ClinVar aggregate classification (germline): Uncertain significance (1 of 4 stars; one submission).

gnomAD v4.1: 30 of 1,614,124 alleles (0.0019%); highest among the groups gnomAD compares: Non-Finnish European, 0.0025%; no homozygotes.

Submission:

Ambry Genetics
Classification: Uncertain significance. Last evaluated: 2025-02-03. Review status: criteria provided, single submitter. Criteria: Ambry Variant Classification Scheme 2023. Collection method: clinical testing. Allele origin: germline.
Comment: The p.P1091S variant (also known as c.3271C>T), located in coding exon 12 of the CDK12 gene, results from a C to T substitution at nucleotide position 3271. The proline at codon 1091 is replaced by serine, an amino acid with similar properties. This amino acid position is conserved. In addition, this alteration is predicted to be tolerated by in silico analysis. Based on the available evidence, the clinical significance of this variant remains unclear.

NM_016507.4(CDK12):c.3271C>T (p.Pro1091Ser)

Gene: CDK12 (cyclin dependent kinase 12; plus strand). Cytogenetic location: 17q12.
Variant type: single nucleotide variant.
Coding change: c.3271C>T on transcript NM_016507.4 (MANE Select); coding-DNA position 3271, C replaced by T.
Protein change: p.Pro1091Ser; replaces proline 1091 with serine.
Molecular consequence: missense variant.
Genome position (GRCh38, 1-based): chr17:39,524,849, C>T. VCF-style: chr17-39524849-C-T. GRCh37 (hg19) VCF-style: chr17-37681102-C-T.
Other names: c.3271C>T, p.Pro1091Ser (NM_015083.4); short protein forms P1091S.
Identifiers: ClinVar variation 3830606 (VCV003830606.1).